The following is an entry in ClinVar:

NM_024675.4(PALB2):c.1817T>C (p.Phe606Ser)

Gene: PALB2 (partner and localizer of BRCA2; minus strand). Cytogenetic location: 16p12.2.
Variant type: single nucleotide variant.
Coding change: c.1817T>C on transcript NM_024675.4 (MANE Select); coding-DNA position 1817, T replaced by C.
Protein change: p.Phe606Ser; replaces phenylalanine 606 with serine.
Molecular consequence: missense variant. On other transcripts: intron variant (1).
Genome position (GRCh38, 1-based): chr16:23,630,337, A>G on the plus strand (T>C on the coding strand, the complement: PALB2 is on the minus strand). VCF-style: chr16-23630337-A-G. GRCh37 (hg19) VCF-style: chr16-23641658-A-G.
Other names: c.1757T>C, p.Phe586Ser (NM_001407296.1); c.1817T>C, p.Phe606Ser (NM_001407297.1, NM_001407298.1, NM_001407299.1 and 3 more transcripts); c.932T>C, p.Phe311Ser (NM_001407304.1, NM_001407305.1, NM_001407306.1 and 5 more transcripts); c.29T>C, p.Phe10Ser (NM_001407312.1, NM_001407313.1); c.49-1062T>C (NM_001407314.1); short protein forms F10S, F311S, F586S, F606S.
Identifiers: ClinVar variation 5042658 (VCV005042658.1).

ClinVar aggregate classification (germline): Uncertain significance (1 of 4 stars; one submission).

Conditions:
Breast-ovarian cancer, familial, susceptibility to, 5 (BROVCA5). Identifiers: MedGen C5830615, MONDO:0957530, OMIM 620442.

Submission:

Dasa
Classification: Uncertain significance for Breast-ovarian cancer, familial, susceptibility to, 5. Review status: criteria provided, single submitter. Criteria: DASA Assertion Criteria. Collection method: clinical testing. Allele origin: germline.
Comment: NM_024675.4(PALB2):c.1817T>C is a missense variant. This variant is absent from population databases. The currently available literature and clinical evidence are not sufficient to establish a definitive association between this variant and the reported condition. Therefore, this variant is classified as a variant of uncertain significance.